The following is an entry in ClinVar:

NM_001854.4(COL11A1):c.3242G>A (p.Gly1081Asp)

Gene: COL11A1 (collagen type XI alpha 1 chain; minus strand). Cytogenetic location: 1p21.1.
Variant type: single nucleotide variant.
Coding change: c.3242G>A on transcript NM_001854.4 (MANE Select); coding-DNA position 3242, G replaced by A.
Protein change: p.Gly1081Asp; replaces glycine 1081 with aspartic acid.
Molecular consequence: missense variant. On other transcripts: non-coding transcript variant (1).
Genome position (GRCh38, 1-based): chr1:102,946,883, C>T on the plus strand (G>A on the coding strand, the complement: COL11A1 is on the minus strand). VCF-style: chr1-102946883-C-T. GRCh37 (hg19) VCF-style: chr1-103412439-C-T.
Other names: c.3125G>A, p.Gly1042Asp (NM_001190709.2); c.3278G>A, p.Gly1093Asp (NM_080629.3); c.2894G>A, p.Gly965Asp (NM_080630.4); short protein forms G1042D, G1081D, G1093D, G965D.
Identifiers: ClinVar variation 3361950 (VCV003361950.1).

ClinVar aggregate classification (germline): Uncertain significance (1 of 4 stars; one submission).

gnomAD v4.1: 4 of 1,613,488 alleles (0.00025%); highest among the groups gnomAD compares: Admixed American, 0.0033%; no homozygotes.

Submission:

GeneDx
Classification: Uncertain significance. Last evaluated: 2023-05-25. Review status: criteria provided, single submitter. Criteria: GeneDx Variant Classification Process June 2021. Collection method: clinical testing. Allele origin: germline. Affected: yes.
Comment: Not observed at significant frequency in large population cohorts (gnomAD); In silico analysis supports that this missense variant has a deleterious effect on protein structure/function; Has not been previously published as pathogenic or benign to our knowledge; This variant is associated with the following publications: (PMID: 25240749)